The following is an entry in ClinVar:

ClinVar aggregate classification (germline): Uncertain significance (1 of 4 stars; one submission).

Conditions:
Encephalopathy, acute, infection-induced (herpes-specific), susceptibility to, 1. Also called: Herpes simplex encephalitis, susceptibility to, 1. Identifiers: Orphanet 1930, MedGen C2750180, MONDO:0024563, OMIM 610551.

Allele frequency attached by ClinVar (database versions not stated): ESP Exome Variant Server 0.00008; TOPMed below 0.00001; ExAC 0.00001.
gnomAD v4.1: 13 of 1,614,028 alleles (0.00081%); highest among the groups gnomAD compares: African/African-American, 0.0013%; no homozygotes.

Submission:

Labcorp Genetics (formerly Invitae), Labcorp
Classification: Uncertain significance for Encephalopathy, acute, infection-induced (herpes-specific), susceptibility to, 1. Last evaluated: 2025-02-10. Review status: criteria provided, single submitter. Criteria: Invitae Variant Classification Sherloc (09022015). Collection method: clinical testing. Allele origin: germline.
Comment: This sequence change replaces serine, which is neutral and polar, with phenylalanine, which is neutral and non-polar, at codon 407 of the TLR3 protein (p.Ser407Phe). This variant is present in population databases (rs372290492, gnomAD 0.002%). This variant has not been reported in the literature in individuals affected with TLR3-related conditions. ClinVar contains an entry for this variant (Variation ID: 1909249). An algorithm developed to predict the effect of missense changes on protein structure and function (PolyPhen-2) suggests that this variant is likely to be disruptive. In summary, the available evidence is currently insufficient to determine the role of this variant in disease. Therefore, it has been classified as a Variant of Uncertain Significance.

NM_003265.3(TLR3):c.1220C>T (p.Ser407Phe)

Gene: TLR3 (toll like receptor 3; plus strand). Cytogenetic location: 4q35.1.
Variant type: single nucleotide variant.
Coding change: c.1220C>T on transcript NM_003265.3 (MANE Select); coding-DNA position 1220, C replaced by T.
Protein change: p.Ser407Phe; replaces serine 407 with phenylalanine.
Molecular consequence: missense variant.
Genome position (GRCh38, 1-based): chr4:186,082,906, C>T. VCF-style: chr4-186082906-C-T. GRCh37 (hg19) VCF-style: chr4-187004060-C-T.
Other names: short protein forms S407F.
Identifiers: ClinVar variation 1909249 (VCV001909249.5), dbSNP rs372290492, ClinGen allele CA3161376.